The following is an entry in ClinVar:

ClinVar aggregate classification (germline): Uncertain significance. Review status: criteria provided, multiple submitters, no conflicts (2 of 4 stars). 2 submissions from 2 submitters: Uncertain significance (2). Last evaluated 2023-02-02.

Submissions (2):

Blueprint Genetics
Classification: Uncertain significance. Last evaluated: 2023-02-02. Review status: criteria provided, single submitter. Criteria: ACMG Guidelines, 2015. Collection method: clinical testing. Allele origin: germline.

Labcorp Genetics (formerly Invitae), Labcorp
Classification: Uncertain significance. Last evaluated: 2022-08-15. Review status: criteria provided, single submitter. Criteria: Invitae Variant Classification Sherloc (09022015). Collection method: clinical testing. Allele origin: germline.
Comment: This sequence change replaces glycine, which is neutral and non-polar, with aspartic acid, which is acidic and polar, at codon 541 of the COL11A2 protein (p.Gly541Asp). This variant is not present in population databases (gnomAD no frequency). This variant has not been reported in the literature in individuals affected with COL11A2-related conditions. ClinVar contains an entry for this variant (Variation ID: 1397319). Advanced modeling of protein sequence and biophysical properties (such as structural, functional, and spatial information, amino acid conservation, physicochemical variation, residue mobility, and thermodynamic stability) performed at Invitae indicates that this missense variant is expected to disrupt COL11A2 protein function. In summary, the available evidence is currently insufficient to determine the role of this variant in disease. Therefore, it has been classified as a Variant of Uncertain Significance.

NM_080680.3(COL11A2):c.1622G>A (p.Gly541Asp)

Gene: COL11A2 (collagen type XI alpha 2 chain; minus strand). Cytogenetic location: 6p21.32.
Variant type: single nucleotide variant.
Coding change: c.1622G>A on transcript NM_080680.3 (MANE Select); coding-DNA position 1622, G replaced by A.
Protein change: p.Gly541Asp; replaces glycine 541 with aspartic acid.
Molecular consequence: missense variant.
Genome position (GRCh38, 1-based): chr6:33,178,963, C>T on the plus strand (G>A on the coding strand, the complement: COL11A2 is on the minus strand). VCF-style: chr6-33178963-C-T. GRCh37 (hg19) VCF-style: chr6-33146740-C-T.
Other names: c.1301G>A, p.Gly434Asp (NM_080679.3); c.1364G>A, p.Gly455Asp (NM_080681.3); short protein forms G434D, G455D, G541D.
Identifiers: ClinVar variation 1397319 (VCV001397319.4), dbSNP rs746757128, ClinGen allele CA363659601.